The following is an entry in ClinVar:

NM_022124.6(CDH23):c.5188-1G>A

Gene: CDH23 (cadherin related 23; plus strand). Cytogenetic location: 10q22.1.
Variant type: single nucleotide variant.
Coding change: c.5188-1G>A on transcript NM_022124.6 (MANE Select); the canonical splice acceptor site of the intron before coding-DNA position 5188, G replaced by A.
Molecular consequence: splice acceptor variant.
Genome position (GRCh38, 1-based): chr10:71,779,266, G>A. VCF-style: chr10-71779266-G-A. GRCh37 (hg19) VCF-style: chr10-73539023-G-A.
Other names: c.5188-1G>A (NM_022124.5).
Identifiers: ClinVar variation 2680519 (VCV002680519.2), dbSNP rs1480568833, ClinGen allele CA377142318.

ClinVar aggregate classification (germline): Likely pathogenic. Review status: criteria provided, multiple submitters, no conflicts (2 of 4 stars). 2 submissions from 2 submitters: Likely pathogenic (2). Last evaluated 2024-12-04.

Conditions:
Usher syndrome type 1 (USH1). Also called: RETINITIS PIGMENTOSA AND CONGENITAL DEAFNESS. Identifiers: Orphanet 231169, Orphanet 886, MedGen C1568247, MONDO:0010168, OMIM 276900.
Pituitary adenoma 5, multiple types. Identifiers: MedGen C4539685, MONDO:0054601, OMIM 617540.

Allele frequency attached by ClinVar (database versions not stated): gnomAD exomes below 0.00001; TOPMed below 0.00001; gnomAD 0.00001.
gnomAD v4.1: 3 of 1,613,854 alleles (0.00019%); highest among the groups gnomAD compares: Admixed American, 0.0017%; no homozygotes.

Submissions (2):

Natera, Inc.
Classification: Likely pathogenic for Usher syndrome type 1. Last evaluated: 2024-12-04. Review status: criteria provided, single submitter. Criteria: Natera Variant Classification Schema (03/2026). Collection method: clinical testing. Allele origin: germline.
Comment: The c.5188-1G>A variant in CDH23 is a canonical splice acceptor site variant predicted to affect pre-mRNA splicing, which may result in an abnormal transcript and altered protein product. This variant is expected to result in nonsense mediated decay, truncation, or a dysfunctional protein product. This variant is rare in the general population with a frequency below the threshold expected for the associated phenotype(s). Given the available evidence, this variant is classified as Likely Pathogenic.

Baylor Genetics
Classification: Likely pathogenic for Pituitary adenoma 5, multiple types. Last evaluated: 2022-08-30. Review status: criteria provided, single submitter. Criteria: ACMG Guidelines, 2015. Collection method: clinical testing. Allele origin: unknown.